The following is an entry in ClinVar:

NM_001003787.4(STRADA):c.1036C>T (p.Arg346Ter)

Gene: STRADA (STE20 related adaptor alpha; minus strand). Cytogenetic location: 17q23.3.
Variant type: single nucleotide variant.
Coding change: c.1036C>T on transcript NM_001003787.4 (MANE Select); coding-DNA position 1036, C replaced by T.
Protein change: p.Arg346Ter; replaces arginine 346 with a stop codon.
Molecular consequence: nonsense. On other transcripts: non-coding transcript variant (1), intron variant (6).
Genome position (GRCh38, 1-based): chr17:63,704,405, G>A on the plus strand (C>T on the coding strand, the complement: STRADA is on the minus strand). VCF-style: chr17-63704405-G-A. GRCh37 (hg19) VCF-style: chr17-61781765-G-A.
Other names: c.925C>T, p.Arg309Ter (NM_001003786.3, NM_153335.6); c.862C>T, p.Arg288Ter (NM_001003788.3); c.1012C>T, p.Arg338Ter (NM_001363786.1); c.949C>T, p.Arg317Ter (NM_001363787.1); c.898+27C>T (NM_001363789.1); c.835+27C>T (NM_001363790.1, NM_001363791.1); c.922+27C>T (NM_001165969.2); c.877+27C>T (NM_001165970.2); and 1 more; short protein forms R346*, R309*, R317*, R288*, R338*.
Identifiers: ClinVar variation 536756 (VCV000536756.6), dbSNP rs748855607, ClinGen allele CA8703156.

ClinVar aggregate classification (germline): Pathogenic (1 of 4 stars; one submission).

Conditions:
Polyhydramnios, megalencephaly, and symptomatic epilepsy (PMSE). Also called: PMSE SYNDROME. Identifiers: Orphanet 500533, MedGen C1970203, MONDO:0012611, OMIM 611087.

Allele frequency attached by ClinVar (database versions not stated): gnomAD 0.00001; gnomAD exomes below 0.00001; ExAC 0.00001.
gnomAD v4.1: 6 of 1,612,388 alleles (0.00037%); highest among the groups gnomAD compares: African/African-American, 0.0013%; no homozygotes.

Submission:

Labcorp Genetics (formerly Invitae), Labcorp
Classification: Pathogenic for Polyhydramnios, megalencephaly, and symptomatic epilepsy. Last evaluated: 2022-03-19. Review status: criteria provided, single submitter. Criteria: Invitae Variant Classification Sherloc (09022015). Collection method: clinical testing. Allele origin: germline.
Comment: For these reasons, this variant has been classified as Pathogenic. Algorithms developed to predict the effect of sequence changes on RNA splicing suggest that this variant may create or strengthen a splice site. ClinVar contains an entry for this variant (Variation ID: 536756). This variant has not been reported in the literature in individuals affected with STRADA-related conditions. This variant is present in population databases (rs748855607, gnomAD 0.007%). This sequence change creates a premature translational stop signal (p.Arg346*) in the STRADA gene. It is expected to result in an absent or disrupted protein product. Loss-of-function variants in STRADA are known to be pathogenic (PMID: 17522105, 27170158).

Literature cited by the submitters: PubMed 17522105; PubMed 27170158.